The following is an entry in ClinVar:

NM_001287.6(CLCN7):c.500C>T (p.Thr167Ile)

Gene: CLCN7 (chloride voltage-gated channel 7; minus strand). Cytogenetic location: 16p13.3.
Variant type: single nucleotide variant.
Coding change: c.500C>T on transcript NM_001287.6 (MANE Select); coding-DNA position 500, C replaced by T.
Protein change: p.Thr167Ile; replaces threonine 167 with isoleucine.
Molecular consequence: missense variant.
Genome position (GRCh38, 1-based): chr16:1,460,512, G>A on the plus strand (C>T on the coding strand, the complement: CLCN7 is on the minus strand). VCF-style: chr16-1460512-G-A. GRCh37 (hg19) VCF-style: chr16-1510513-G-A.
Other names: c.428C>T, p.Thr143Ile (NM_001114331.3); short protein forms T143I, T167I.
Identifiers: ClinVar variation 1389400 (VCV001389400.6), dbSNP rs2142388302, ClinGen allele CA394192225.

ClinVar aggregate classification (germline): Uncertain significance (1 of 4 stars; one submission).

Submission:

Labcorp Genetics (formerly Invitae), Labcorp
Classification: Uncertain significance. Last evaluated: 2022-09-01. Review status: criteria provided, single submitter. Criteria: Invitae Variant Classification Sherloc (09022015). Collection method: clinical testing. Allele origin: germline.
Comment: This sequence change replaces threonine, which is neutral and polar, with isoleucine, which is neutral and non-polar, at codon 167 of the CLCN7 protein (p.Thr167Ile). This variant is not present in population databases (gnomAD no frequency). In summary, the available evidence is currently insufficient to determine the role of this variant in disease. Therefore, it has been classified as a Variant of Uncertain Significance. Advanced modeling of protein sequence and biophysical properties (such as structural, functional, and spatial information, amino acid conservation, physicochemical variation, residue mobility, and thermodynamic stability) performed at Invitae indicates that this missense variant is not expected to disrupt CLCN7 protein function. ClinVar contains an entry for this variant (Variation ID: 1389400). This variant has not been reported in the literature in individuals affected with CLCN7-related conditions.